The following is an entry in ClinVar:

Single allele

Variant type: Deletion.
Identifiers: ClinVar variation 156914 (VCV000156914.2).

ClinVar aggregate classification (germline): not provided (0 of 4 stars; one submission).

Conditions:
Normal pregnancy. Identifiers: MedGen C0232989.

Submission:

Institute of Molecular and Cell Biology, University of Tartu
No classification provided. Condition: Normal pregnancy. Review status: no classification provided. Collection method: case-control. Allele origin: unknown. Affected: yes. Study: Kasak2014.
Comment: The study aimed to determine the contribution of copy number variants in the genetic etiology of normal and complicated pregnancies. The samples represented (i) maternal blood DNA drawn from healthy pregnant women during 1st or 2nd trimester and (ii) maternal and paternal blood DNA drawn at term pregnancy cases representing normal and complicated gestations (severe preeclampsia, PE; gestational diabetes, GD; small-for-gestational age newborn, SGA; large-for-gestational age newborn, LGA). We performed CNV calling based on genome-wide genotyping dataset (Illumina HumanOmniExpress-24-v1 BeadChip) by applying three algorithms, QuantiSNP, GADA (Genome Alteration Detection Algorithm) and CNstream in parallel. The acquired CNV calls were merged with HD-CNV (Hotspot Detector for Copy Number Variants) program and only the CNVs predicted by at least two programs, were considered in subsequent analysis.

Literature cited by the submitters: PubMed 25666259.